The following is an entry in ClinVar:

NM_005506.4(SCARB2):c.1034C>A (p.Ala345Glu)

Gene: SCARB2 (scavenger receptor class B member 2; minus strand). Cytogenetic location: 4q21.1.
Variant type: single nucleotide variant.
Coding change: c.1034C>A on transcript NM_005506.4 (MANE Select); coding-DNA position 1034, C replaced by A.
Protein change: p.Ala345Glu; replaces alanine 345 with glutamic acid.
Molecular consequence: missense variant.
Genome position (GRCh38, 1-based): chr4:76,169,946, G>T on the plus strand (C>A on the coding strand, the complement: SCARB2 is on the minus strand). VCF-style: chr4-76169946-G-T. GRCh37 (hg19) VCF-style: chr4-77091099-G-T.
Other names: c.605C>A, p.Ala202Glu (NM_001204255.2); short protein forms A202E, A345E.
Identifiers: ClinVar variation 2824151 (VCV002824151.1), dbSNP rs2476228281, ClinGen allele CA357314753.
Genomic context (GRCh38, chr4:76,169,946, plus strand): 5'-GTCTCATGGTCTTCCTGATTTGGGTGCATGCCTTCTATGGCAGAAACAAACCTCTCATCT[G>T]CTTGGTAAAAGTGTGGGAAAGACATAATGATGGGTGCACCTGCATTTGAAGGAAAACAGA-3'
Protein context (NP_005497.1, residues 335-355): IIMSFPHFYQ[Ala345Glu]DERFVSAIEG

ClinVar aggregate classification (germline): Uncertain significance (1 of 4 stars; one submission).

Conditions:
Progressive myoclonic epilepsy. Also called: Familial progressive myoclonic epilepsy; Myoclonus epilepsy; Progressive myoclonus epilepsy; Myoclonic Epilepsies, Progressive. Identifiers: Orphanet 308, Orphanet 98261, MedGen C0751778, MONDO:0020074.

Submission:

Labcorp Genetics (formerly Invitae), Labcorp
Classification: Uncertain significance for Progressive myoclonic epilepsy. Last evaluated: 2023-07-09. Review status: criteria provided, single submitter. Criteria: Invitae Variant Classification Sherloc (09022015). Collection method: clinical testing. Allele origin: germline.
Comment: This sequence change replaces alanine, which is neutral and non-polar, with glutamic acid, which is acidic and polar, at codon 345 of the SCARB2 protein (p.Ala345Glu). This variant is not present in population databases (gnomAD no frequency). This variant has not been reported in the literature in individuals affected with SCARB2-related conditions. Advanced modeling of protein sequence and biophysical properties (such as structural, functional, and spatial information, amino acid conservation, physicochemical variation, residue mobility, and thermodynamic stability) performed at Invitae indicates that this missense variant is expected to disrupt SCARB2 protein function. In summary, the available evidence is currently insufficient to determine the role of this variant in disease. Therefore, it has been classified as a Variant of Uncertain Significance.